The following is an entry in ClinVar:

ClinVar aggregate classification (germline): Uncertain significance (1 of 4 stars; one submission).

Allele frequency attached by ClinVar (database versions not stated): TOPMed below 0.00001.
gnomAD v4.1: 1 of 1,614,072 alleles (0.000062%); highest among the groups gnomAD compares: African/African-American, 0.0013%; no homozygotes.

Submission:

Ambry Genetics
Classification: Uncertain significance. Last evaluated: 2023-10-19. Review status: criteria provided, single submitter. Criteria: Ambry Variant Classification Scheme 2023. Collection method: clinical testing. Allele origin: germline.
Comment: The p.D1811N variant (also known as c.5431G>A), located in coding exon 16 of the POLQ gene, results from a G to A substitution at nucleotide position 5431. The aspartic acid at codon 1811 is replaced by asparagine, an amino acid with highly similar properties. This amino acid position is conserved. In addition, this alteration is predicted to be tolerated by in silico analysis. Since supporting evidence is limited at this time, the clinical significance of this alteration remains unclear.

NM_199420.4(POLQ):c.5431G>A (p.Asp1811Asn)

Gene: POLQ (DNA polymerase theta; minus strand). Cytogenetic location: 3q13.33.
Variant type: single nucleotide variant.
Coding change: c.5431G>A on transcript NM_199420.4 (MANE Select); coding-DNA position 5431, G replaced by A.
Protein change: p.Asp1811Asn; replaces aspartic acid 1811 with asparagine.
Molecular consequence: missense variant.
Genome position (GRCh38, 1-based): chr3:121,487,500, C>T on the plus strand (G>A on the coding strand, the complement: POLQ is on the minus strand). VCF-style: chr3-121487500-C-T. GRCh37 (hg19) VCF-style: chr3-121206347-C-T.
Other names: short protein forms D1811N.
Identifiers: ClinVar variation 3230061 (VCV003230061.1), dbSNP rs1305889963, ClinGen allele CA354090202.